The following is an entry in ClinVar:

NM_001009944.3(PKD1):c.5494G>T (p.Gly1832Cys)

Gene: PKD1 (polycystin 1, transient receptor potential channel interacting; minus strand). Cytogenetic location: 16p13.3.
Variant type: single nucleotide variant.
Coding change: c.5494G>T on transcript NM_001009944.3 (MANE Select); coding-DNA position 5494, G replaced by T.
Protein change: p.Gly1832Cys; replaces glycine 1832 with cysteine.
Molecular consequence: missense variant.
Genome position (GRCh38, 1-based): chr16:2,109,673, C>A on the plus strand (G>T on the coding strand, the complement: PKD1 is on the minus strand). VCF-style: chr16-2109673-C-A. GRCh37 (hg19) VCF-style: chr16-2159674-C-A.
Other names: c.5494G>T, p.Gly1832Cys (NM_000296.4); short protein forms G1832C.
Identifiers: ClinVar variation 4531567 (VCV004531567.2).

ClinVar aggregate classification (germline): Conflicting classifications of pathogenicity. Review status: criteria provided, conflicting classifications (1 of 4 stars). 2 submissions from 2 submitters: Likely pathogenic (1); Uncertain significance (1). Last evaluated 2025-03-04.

Conditions:
Polycystic kidney disease, adult type (PKD1). Also called: Polycystic Kidney, Autosomal Dominant; POLYCYSTIC KIDNEY DISEASE, ADULT, TYPE I; Polycystic Kidney Disease 1, Autosomal Dominant; Polycystic kidney disease 1; Polycystic kidney disease 1, severe; POLYCYSTIC KIDNEY DISEASE 1 WITH OR WITHOUT POLYCYSTIC LIVER DISEASE. Identifiers: MedGen C3149841, MONDO:0008263, OMIM 173900.

Submissions (2):

Victorian Clinical Genetics Services, Murdoch Childrens Research Institute
Classification: Likely pathogenic for Polycystic kidney disease, adult type. Last evaluated: 2025-03-04. Review status: criteria provided, single submitter. Criteria: ACMG Guidelines, 2015. Collection method: clinical testing. Allele origin: germline. Affected: no.
Comment: This variant is classified as Likely pathogenic. Evidence in support of pathogenic classification: Variant is absent from gnomAD (v2, v3 and v4); Other missense variant(s) comparable to the one identified in this case have strong previous evidence for pathogenicity. p.(Gly1832Val) and p.(Gly1832Ser), have been classified as VUS and likely pathogenic by clinical laboratories in ClinVar and have been reported in individuals with PKD1-related features (personal communication). p.(Gly1832Val) has also been reported in the literature in an individual with ADPKD (PMID: 31740684); Missense variant predicted to be damaging by in silico tool(s) or highly conserved with a major amino acid change. Additional information: Variant is predicted to result in a missense amino acid change from glycine to cysteine; This gene is associated with autosomal dominant disease. Polycystic kidney disease 1 (MIM#173900) is predominantly caused by monoallelic variants, with rare reports of biallelic variants causing disease (OMIM); This variant has no previous evidence of pathogenicity; No published segregation evidence has been identified for this variant; No published functional evidence has been identified for this variant; Variant is located in the annotated PKD domain (DECIPHER). - Loss of function is a known mechanism of disease in this gene and is associated with polycystic kidney disease 1 (MIM#173900).

Blueprint Genetics
Classification: Uncertain significance. Last evaluated: 2021-10-05. Review status: criteria provided, single submitter. Criteria: ACMG Guidelines, 2015. Collection method: clinical testing. Allele origin: germline.

Literature cited by the submitters: PubMed 31740684 (cited by Victorian Clinical Genetics Services, Murdoch Childrens Research Institute).